The following is an entry in ClinVar:

NM_004990.4(MARS1):c.1369-6_1369-2del

Gene: MARS1 (methionyl-tRNA synthetase 1; plus strand). Cytogenetic location: 12q13.3.
Variant type: Deletion.
Coding change: c.1369-6_1369-2del on transcript NM_004990.4 (MANE Select); 6 bases into the intron before coding-DNA position 1369 through the canonical splice acceptor site of the intron before coding-DNA position 1369, 5 bases deleted (TCTCA; older notation c.1369-6_1369-2delTCTCA).
Molecular consequence: splice acceptor variant.
Genome position (GRCh38, 1-based): chr12:57,511,692-57,511,696, TCTCA deleted; deleting any 5 consecutive bases within chr12:57,511,691-57,511,696 gives the same sequence; the c. name uses the placement nearest the transcript's 3' end. VCF-style (leftmost placement, unchanged base first): chr12-57511690-TATCTC-T. GRCh37 (hg19) VCF-style: chr12-57905473-TATCTC-T.
Identifiers: ClinVar variation 2113759 (VCV002113759.4), dbSNP rs2540312316, ClinGen allele CA2580086527.
Genomic context (GRCh38, chr12:57,511,690, plus strand): 5'-TGTGTTTATCCTTATGCTAACCATATATGAGACTTTCCTAAATCAGCCCTCTTTCTCCGT[TATCTC>T]AGCTGGAGAAGCGACTGGAGGAGTGGTTGGGGAGGACATTGCCTGGCAGTGACTGGACAC-3'

ClinVar aggregate classification (germline): Uncertain significance (1 of 4 stars; one submission).

Conditions:
Charcot-Marie-Tooth disease axonal type 2U. Also called: CHARCOT-MARIE-TOOTH NEUROPATHY, TYPE 2U; CHARCOT-MARIE-TOOTH DISEASE, AXONAL, AUTOSOMAL DOMINANT, TYPE 2U. Identifiers: Orphanet 397735, MedGen C4084821, MONDO:0014566, OMIM 616280.
Severe early-onset pulmonary alveolar proteinosis due to MARS deficiency. Also called: PULMONARY ALVEOLAR PROTEINOSIS, REUNION ISLAND; Interstitial lung and liver disease. Identifiers: Orphanet 440427, MedGen C4225400, MONDO:0014206, OMIM 615486.

Submission:

Labcorp Genetics (formerly Invitae), Labcorp
Classification: Uncertain significance for Charcot-Marie-Tooth disease axonal type 2U; Severe early-onset pulmonary alveolar proteinosis due to MARS deficiency. Last evaluated: 2022-03-18. Review status: criteria provided, single submitter. Criteria: Invitae Variant Classification Sherloc (09022015). Collection method: clinical testing. Allele origin: germline.
Comment: In summary, the available evidence is currently insufficient to determine the role of this variant in disease. Therefore, it has been classified as a Variant of Uncertain Significance. Variants that disrupt the consensus splice site are a relatively common cause of aberrant splicing (PMID: 17576681, 9536098). Experimental studies and prediction algorithms are not available or were not evaluated, and the effect of this variant on mRNA splicing is currently unknown. This variant has not been reported in the literature in individuals affected with MARS-related conditions. This variant is not present in population databases (gnomAD no frequency). This sequence change falls in intron 11 of the MARS gene. It does not directly change the encoded amino acid sequence of the MARS protein. It affects a nucleotide within the consensus splice site.

Literature cited by the submitters: PubMed 17576681; PubMed 9536098.